The following is an entry in ClinVar:

NM_001003722.2(GLE1):c.5C>G (p.Pro2Arg)

Gene: GLE1 (GLE1 RNA export mediator; plus strand). Cytogenetic location: 9q34.11.
Variant type: single nucleotide variant.
Coding change: c.5C>G on transcript NM_001003722.2 (MANE Select); coding-DNA position 5, C replaced by G.
Protein change: p.Pro2Arg; replaces proline 2 with arginine.
Molecular consequence: missense variant.
Genome position (GRCh38, 1-based): chr9:128,504,810, C>G. VCF-style: chr9-128504810-C-G. GRCh37 (hg19) VCF-style: chr9-131267089-C-G.
Other names: c.5C>G, p.Pro2Arg (NM_001499.2); short protein forms P2R.
Identifiers: ClinVar variation 285426 (VCV000285426.21), dbSNP rs150246404, ClinGen allele CA5263446.

ClinVar aggregate classification (germline): Conflicting classifications of pathogenicity. Review status: criteria provided, conflicting classifications (1 of 4 stars). 7 submissions from 6 submitters: Uncertain significance (5); Likely benign (1). 1 of the submissions does not count toward it. Last evaluated 2026-02-02.

Conditions:
GLE1-related disorder. Also called: GLE1-related disorders; GLE1-related condition.
Lethal arthrogryposis-anterior horn cell disease syndrome (CAAHD). Also called: CONGENITAL ARTHROGRYPOSIS WITH ANTERIOR HORN CELL DISEASE. Identifiers: Orphanet 53696, MedGen C5193016, MONDO:0012750, OMIM 611890.
Lethal congenital contracture syndrome 1 (LCCS1). Also called: MULTIPLE CONTRACTURE SYNDROME, FINNISH TYPE. Identifiers: Orphanet 1486, MedGen C1854664, MONDO:0009670, OMIM 253310.

Allele frequency attached by ClinVar (database versions not stated): 1000 Genomes Project 0.00040; ESP Exome Variant Server 0.00046; 1000 Genomes Project 30x 0.00047; gnomAD 0.00076 and 0.00081; TOPMed 0.00078; ExAC 0.00105.
gnomAD v4.1: 1,116 of 1,605,856 alleles (0.069%); highest among the groups gnomAD compares: Middle Eastern, 0.69%; no homozygotes.

Submissions (7):

Labcorp Genetics (formerly Invitae), Labcorp
Classification: Likely benign. Last evaluated: 2026-02-02. Review status: criteria provided, single submitter. Criteria: Invitae Variant Classification Sherloc (09022015). Collection method: clinical testing. Allele origin: germline.

Fulgent Genetics
Classification: Uncertain significance for Lethal congenital contracture syndrome 1; Lethal arthrogryposis-anterior horn cell disease syndrome. Last evaluated: 2018-10-31. Review status: criteria provided, single submitter. Criteria: ACMG Guidelines, 2015. Collection method: clinical testing. Allele origin: unknown.

Illumina Laboratory Services, Illumina
Classification: Uncertain significance for Lethal congenital contracture syndrome 1. Last evaluated: 2018-01-13. Review status: criteria provided, single submitter. Criteria: ICSL Variant Classification Criteria 13 December 2019. Collection method: clinical testing. Allele origin: germline.

Illumina Laboratory Services, Illumina
Classification: Uncertain significance for Lethal arthrogryposis-anterior horn cell disease syndrome. Last evaluated: 2018-01-13. Review status: criteria provided, single submitter. Criteria: ICSL Variant Classification Criteria 13 December 2019. Collection method: clinical testing. Allele origin: germline.

Eurofins Ntd Llc (ga)
Classification: Uncertain significance. Last evaluated: 2017-02-17. Review status: criteria provided, single submitter. Criteria: EGL Classification Definitions 2015. Collection method: clinical testing. Allele origin: germline. Observed: 2 variant alleles, 2 heterozygotes.

Breakthrough Genomics
Classification: Uncertain significance. Review status: criteria provided, single submitter. Criteria: ACMG Guidelines, 2015. Collection method: not provided. Allele origin: germline. Inheritance: Autosomal recessive inheritance. Affected: yes.

PreventionGenetics, part of Exact Sciences
Classification: Likely benign for GLE1-related condition. Last evaluated: 2022-10-17. Review status: no assertion criteria provided. Collection method: clinical testing. Allele origin: germline. Not counted in ClinVar's aggregate classification.
Comment: This variant is classified as likely benign based on ACMG/AMP sequence variant interpretation guidelines (Richards et al. 2015 PMID: 25741868, with internal and published modifications).